The following is an entry in ClinVar:

NM_174916.3(UBR1):c.604G>A (p.Val202Ile)

Gene: UBR1 (ubiquitin protein ligase E3 component n-recognin 1; minus strand). Cytogenetic location: 15q15.2.
Variant type: single nucleotide variant.
Coding change: c.604G>A on transcript NM_174916.3 (MANE Select); coding-DNA position 604, G replaced by A.
Protein change: p.Val202Ile; replaces valine 202 with isoleucine.
Molecular consequence: missense variant.
Genome position (GRCh38, 1-based): chr15:43,070,850, C>T on the plus strand (G>A on the coding strand, the complement: UBR1 is on the minus strand). VCF-style: chr15-43070850-C-T. GRCh37 (hg19) VCF-style: chr15-43363048-C-T.
Other names: short protein forms V202I.
Identifiers: ClinVar variation 432278 (VCV000432278.4), dbSNP rs190360605, ClinGen allele CA7518977.

ClinVar aggregate classification (germline): Uncertain significance. Review status: criteria provided, single submitter (1 of 4 stars). 2 submissions from 2 submitters: Uncertain significance (1). 1 of the submissions does not count toward it. Last evaluated 2017-05-30.

Conditions:
Microcephaly. Also called: Microcephaly (disease). Identifiers: MedGen C4551563, MONDO:0001149, HP:0000252.

Allele frequency attached by ClinVar (database versions not stated): gnomAD 0.00002 and 0.00005; TOPMed 0.00002; ExAC 0.00004; gnomAD exomes 0.00004 and 0.00005; 1000 Genomes Project 0.00020; 1000 Genomes Project 30x 0.00031.

Submissions (2):

GeneDx
Classification: Uncertain significance. Last evaluated: 2017-05-30. Review status: criteria provided, single submitter. Criteria: GeneDx Variant Classification (06012015). Collection method: clinical testing. Allele origin: germline. Affected: yes.
Comment: The V202I variant in the UBR1 gene has not been reported previously as a pathogenic variant, nor as a benign variant, to our knowledge. The V202I variant is observed in 3/8654 (0.03%) alleles from individuals of East Asian background, in the ExAC dataset (Lek et al., 2016). The V202I variant is a conservative amino acid substitution, which is not likely to impact secondary protein structure as these residues share similar properties. This substitution occurs at a position that is conserved in mammals. In silico analysis is inconsistent in its predictions as to whether or not the variant is damaging to the protein structure/function. We interpret V202I as a variant of uncertain significance.

Department of Pediatrics, Samsung Medical Center, Samsung Medical Center
Classification: Uncertain significance for Microcephaly. Review status: no assertion criteria provided. Criteria: ACMG Guidelines, 2015. Collection method: research. Allele origin: germline. Affected: yes. Not counted in ClinVar's aggregate classification.